The following is an entry in ClinVar:

ClinVar aggregate classification (germline): Likely benign (1 of 4 stars; one submission).

Allele frequency attached by ClinVar (database versions not stated): gnomAD exomes below 0.00001; ExAC 0.00001; gnomAD 0.00001.
gnomAD v4.1: 5 of 1,614,062 alleles (0.00031%); highest among the groups gnomAD compares: Admixed American, 0.0017%; no homozygotes.

Submission:

CeGaT Center for Human Genetics Tuebingen
Classification: Likely benign. Last evaluated: 2024-01-01. Review status: criteria provided, single submitter. Criteria: CeGaT Center For Human Genetics Tuebingen Variant Classification Criteria Version 2. Collection method: clinical testing. Allele origin: germline. Affected: yes. Observed: 1 variant allele.
Comment: TCF20: BP4

NM_001378418.1(TCF20):c.3485G>A (p.Arg1162His)

Gene: TCF20 (transcription factor 20; minus strand). Cytogenetic location: 22q13.2.
Variant type: single nucleotide variant.
Coding change: c.3485G>A on transcript NM_001378418.1 (MANE Select); coding-DNA position 3485, G replaced by A.
Protein change: p.Arg1162His; replaces arginine 1162 with histidine.
Molecular consequence: missense variant.
Genome position (GRCh38, 1-based): chr22:42,211,821, C>T on the plus strand (G>A on the coding strand, the complement: TCF20 is on the minus strand). VCF-style: chr22-42211821-C-T. GRCh37 (hg19) VCF-style: chr22-42607827-C-T.
Other names: c.3485G>A, p.Arg1162His (NM_005650.4, NM_181492.3); short protein forms R1162H.
Identifiers: ClinVar variation 3025854 (VCV003025854.22), dbSNP rs771429601, ClinGen allele CA10266821.